The following is an entry in ClinVar:

NM_000435.3(NOTCH3):c.3782G>A (p.Cys1261Tyr)

Gene: NOTCH3 (notch receptor 3; minus strand). Cytogenetic location: 19p13.12.
Variant type: single nucleotide variant.
Coding change: c.3782G>A on transcript NM_000435.3 (MANE Select); coding-DNA position 3782, G replaced by A.
Protein change: p.Cys1261Tyr; replaces cysteine 1261 with tyrosine.
Molecular consequence: missense variant.
Genome position (GRCh38, 1-based): chr19:15,178,878, C>T on the plus strand (G>A on the coding strand, the complement: NOTCH3 is on the minus strand). VCF-style: chr19-15178878-C-T. GRCh37 (hg19) VCF-style: chr19-15289689-C-T.
Other names: short protein forms C1261Y.
Identifiers: ClinVar variation 1709237 (VCV001709237.6), dbSNP rs1209610920, ClinGen allele CA404507768.
Genomic context (GRCh38, chr19:15,178,878, plus strand): 5'-CCTACCTGGGCACAGTGACAGGTGAAGGTCAGCCCACCCCCAGGACCCGGGCTAGGACGG[C>T]ACTGGCCTCCATGCTGGCATGGCTGGGACTCGCAGGGAGACAGGACAGTCTGACAGCGAG-3'
Protein context (NP_000426.2, residues 1251-1271): ESQPCQHGGQ[Cys1261Tyr]RPSPGPGGGL

ClinVar aggregate classification (germline): Conflicting classifications of pathogenicity. Review status: criteria provided, conflicting classifications (1 of 4 stars). 3 submissions from 3 submitters: Likely pathogenic (2); Uncertain significance (1). Last evaluated 2025-11-16.

Conditions:
Cerebral arteriopathy, autosomal dominant, with subcortical infarcts and leukoencephalopathy, type 1 (CADASIL1). Also called: CASIL; Cerebral arteriopathy with subcortical infarcts and leukoencephalopathy 1; CADASIL 1; DEMENTIA, HEREDITARY MULTIINFARCT TYPE. Identifiers: Orphanet 136, MedGen C4551768, MONDO:0000914, OMIM 125310.

Allele frequency attached by ClinVar (database versions not stated): TOPMed below 0.00001; gnomAD 0.00001.
gnomAD v4.1: 1 of 1,610,978 alleles (0.000062%); highest among the groups gnomAD compares: Non-Finnish European, 0.000085%; no homozygotes.

Submissions (3):

Labcorp Genetics (formerly Invitae), Labcorp
Classification: Uncertain significance. Last evaluated: 2025-11-16. Review status: criteria provided, single submitter. Criteria: Invitae Variant Classification Sherloc (09022015). Collection method: clinical testing. Allele origin: germline.
Comment: This sequence change replaces cysteine, which is neutral and slightly polar, with tyrosine, which is neutral and polar, at codon 1261 of the NOTCH3 protein (p.Cys1261Tyr). This variant is not present in population databases (gnomAD no frequency). This missense change has been observed in individual(s) with Cerebral arteriopathy with subcortical infarcts and leukoencephalopathy 1 (PMID: 15364702). ClinVar contains an entry for this variant (Variation ID: 1709237). Invitae Evidence Modeling of protein sequence and biophysical properties (such as structural, functional, and spatial information, amino acid conservation, physicochemical variation, residue mobility, and thermodynamic stability) indicates that this missense variant is expected to disrupt NOTCH3 protein function with a positive predictive value of 95%. This variant disrupts the p.Cys1261 amino acid residue in NOTCH3. Other variant(s) that disrupt this residue have been observed in individuals with NOTCH3-related conditions (PMID: 8878478), which suggests that this may be a clinically significant amino acid residue. In summary, the available evidence is currently insufficient to determine the role of this variant in disease. Therefore, it has been classified as a Variant of Uncertain Significance.

Institute of Human Genetics, University of Leipzig Medical Center
Classification: Likely pathogenic for Cerebral arteriopathy, autosomal dominant, with subcortical infarcts and leukoencephalopathy, type 1. Last evaluated: 2023-09-12. Review status: criteria provided, single submitter. Criteria: ACMG Guidelines, 2015. Collection method: clinical testing. Allele origin: unknown. Inheritance: Autosomal dominant inheritance. Affected: yes.
Comment: Criteria applied: PM1_STR,PS4_SUP,PM2_SUP,PM5_SUP,PP3

MGZ Medical Genetics Center
Classification: Likely pathogenic for Cerebral arteriopathy, autosomal dominant, with subcortical infarcts and leukoencephalopathy, type 1. Last evaluated: 2022-03-09. Review status: criteria provided, single submitter. Criteria: ACMG Guidelines, 2015. Collection method: clinical testing. Allele origin: germline. Affected: yes. Observed: 1 variant allele.
Comment: ACMG criteria applied: PM1, PM5, PM2_SUP, PP2, PP3

Literature cited by the submitters: PubMed 15364702 (cited by Labcorp Genetics (formerly Invitae), Labcorp); PubMed 8878478 (cited by Labcorp Genetics (formerly Invitae), Labcorp).